The following is an entry in ClinVar:

ClinVar aggregate classification (germline): Uncertain significance (1 of 4 stars; one submission).

Submission:

Labcorp Genetics (formerly Invitae), Labcorp
Classification: Uncertain significance. Last evaluated: 2022-11-17. Review status: criteria provided, single submitter. Criteria: Invitae Variant Classification Sherloc (09022015). Collection method: clinical testing. Allele origin: germline.
Comment: In summary, the available evidence is currently insufficient to determine the role of this variant in disease. Therefore, it has been classified as a Variant of Uncertain Significance. Algorithms developed to predict the effect of missense changes on protein structure and function output the following: SIFT: "Tolerated"; PolyPhen-2: "Benign"; Align-GVGD: "Class C0". The valine amino acid residue is found in multiple mammalian species, which suggests that this missense change does not adversely affect protein function. This variant has not been reported in the literature in individuals affected with RP1-related conditions. This variant is not present in population databases (gnomAD no frequency). This sequence change replaces methionine, which is neutral and non-polar, with valine, which is neutral and non-polar, at codon 557 of the RP1 protein (p.Met557Val).

NM_006269.2(RP1):c.1669A>G (p.Met557Val)

Gene: RP1 (RP1 axonemal microtubule associated; plus strand). Cytogenetic location: 8q12.1.
Variant type: single nucleotide variant.
Coding change: c.1669A>G on transcript NM_006269.2 (MANE Select); coding-DNA position 1669, A replaced by G.
Protein change: p.Met557Val; replaces methionine 557 with valine.
Molecular consequence: missense variant. On other transcripts: intron variant (1).
Genome position (GRCh38, 1-based): chr8:54,625,551, A>G. VCF-style: chr8-54625551-A-G. GRCh37 (hg19) VCF-style: chr8-55538111-A-G.
Other names: c.787+3263A>G (NM_001375654.1); short protein forms M557V.
Identifiers: ClinVar variation 2813422 (VCV002813422.3), dbSNP rs2536570999, ClinGen allele CA370991176.
Genomic context (GRCh38, chr8:54,625,551, plus strand): 5'-AACAGTCTGCTTAAGTCAAGTGCAATAAGTGCTGGTGTTATAGAAATTACAAGTCAGAAG[A>G]TGTTAGAGATGTCACATAATAATGGTTTGCCATCAACTATATCAAATAACTCAATTGTGG-3'
Protein context (NP_006260.1, residues 547-567): AGVIEITSQK[Met557Val]LEMSHNNGLP